The following is an entry in ClinVar:

NM_000081.4(LYST):c.10033C>G (p.Leu3345Val)

Genes: LYST (lysosomal trafficking regulator; minus strand), LOC126806063 (MED14-independent group 3 enhancer GRCh37_chr1:235871544-235872743; plus strand). Cytogenetic location: 1q42.3.
Variant type: single nucleotide variant.
Coding change: c.10033C>G on transcript NM_000081.4 (MANE Select); coding-DNA position 10033, C replaced by G.
Protein change: p.Leu3345Val; replaces leucine 3345 with valine.
Molecular consequence: missense variant.
Genome position (GRCh38, 1-based): chr1:235,709,201, G>C on the plus strand (C>G on the coding strand, the complement: LYST is on the minus strand). VCF-style: chr1-235709201-G-C. GRCh37 (hg19) VCF-style: chr1-235872501-G-C.
Other names: c.10033C>G, p.Leu3345Val (NM_001301365.1); short protein forms L3345V.
Identifiers: ClinVar variation 1383366 (VCV001383366.6), dbSNP rs1662212991, ClinGen allele CA344935240.

ClinVar aggregate classification (germline): Uncertain significance (1 of 4 stars; one submission).

Conditions:
Chédiak-Higashi syndrome (CHS). Also called: Chediak-Higashi Syndrome. Identifiers: Orphanet 167, MedGen C0007965, MONDO:0008963, OMIM 214500.

Allele frequency attached by ClinVar (database versions not stated): gnomAD exomes below 0.00001.
gnomAD v4.1: 1 of 1,614,108 alleles (0.000062%); highest among the groups gnomAD compares: African/African-American, 0.0013%; no homozygotes.

Submission:

Labcorp Genetics (formerly Invitae), Labcorp
Classification: Uncertain significance for Chédiak-Higashi syndrome. Last evaluated: 2022-06-28. Review status: criteria provided, single submitter. Criteria: Invitae Variant Classification Sherloc (09022015). Collection method: clinical testing. Allele origin: germline.
Comment: In summary, the available evidence is currently insufficient to determine the role of this variant in disease. Therefore, it has been classified as a Variant of Uncertain Significance. Algorithms developed to predict the effect of missense changes on protein structure and function are either unavailable or do not agree on the potential impact of this missense change (SIFT: "Deleterious"; PolyPhen-2: "Probably Damaging"; Align-GVGD: "Class C0"). This variant has not been reported in the literature in individuals affected with LYST-related conditions. This variant is not present in population databases (gnomAD no frequency). This sequence change replaces leucine, which is neutral and non-polar, with valine, which is neutral and non-polar, at codon 3345 of the LYST protein (p.Leu3345Val).